The following is an entry in ClinVar:

ClinVar aggregate classification (germline): Uncertain significance (1 of 4 stars; one submission).

Conditions:
Peroxisome biogenesis disorder 2B (PBD2B). Identifiers: Orphanet 44, MedGen C3550234, MONDO:0008736, OMIM 202370.

Submission:

Labcorp Genetics (formerly Invitae), Labcorp
Classification: Uncertain significance for Peroxisome biogenesis disorder 2B. Last evaluated: 2021-08-14. Review status: criteria provided, single submitter. Criteria: Invitae Variant Classification Sherloc (09022015). Collection method: clinical testing. Allele origin: germline.
Comment: This sequence change replaces proline with leucine at codon 151 of the PEX5 protein (p.Pro151Leu). The proline residue is moderately conserved and there is a moderate physicochemical difference between proline and leucine. This variant is not present in population databases (ExAC no frequency). This variant has not been reported in the literature in individuals affected with PEX5-related conditions. Algorithms developed to predict the effect of missense changes on protein structure and function (SIFT, PolyPhen-2, Align-GVGD) all suggest that this variant is likely to be tolerated. In summary, the available evidence is currently insufficient to determine the role of this variant in disease. Therefore, it has been classified as a Variant of Uncertain Significance.

NM_001351132.2(PEX5):c.452C>T (p.Pro151Leu)

Gene: PEX5 (peroxisomal biogenesis factor 5; plus strand). Cytogenetic location: 12p13.31.
Variant type: single nucleotide variant.
Coding change: c.452C>T on transcript NM_001351132.2 (MANE Select); coding-DNA position 452, C replaced by T.
Protein change: p.Pro151Leu; replaces proline 151 with leucine.
Molecular consequence: missense variant.
Genome position (GRCh38, 1-based): chr12:7,199,014, C>T. VCF-style: chr12-7199014-C-T. GRCh37 (hg19) VCF-style: chr12-7351610-C-T.
Other names: c.452C>T, p.Pro151Leu (NM_000319.5, NM_001131024.2, NM_001131025.2 and 19 more transcripts); c.497C>T, p.Pro166Leu (NM_001131023.2, NM_001351135.3, NM_001351138.2); short protein forms P166L, P151L.
Identifiers: ClinVar variation 1439816 (VCV001439816.5), dbSNP rs200720523, ClinGen allele CA383717197.